The following is an entry in ClinVar:

ClinVar aggregate classification (germline): Benign. Review status: criteria provided, multiple submitters, no conflicts (2 of 4 stars). 2 submissions from 2 submitters: Benign (2). Last evaluated 2018-06-14.

Allele frequency attached by ClinVar (database versions not stated): TOPMed 0.22257; 1000 Genomes Project 30x 0.22658; gnomAD 0.23000 and 0.23590; 1000 Genomes Project 0.23183.
gnomAD v4.1: 35,948 of 152,022 alleles (24%); highest among the groups gnomAD compares: South Asian, 37%; 5,110 homozygotes.

Submissions (2):

GeneDx
Classification: Benign. Last evaluated: 2018-06-14. Review status: criteria provided, single submitter. Criteria: GeneDx Variant Classification (06012015). Collection method: clinical testing. Allele origin: germline. Affected: yes.
Comment: This variant is considered likely benign or benign based on one or more of the following criteria: it is a conservative change, it occurs at a poorly conserved position in the protein, it is predicted to be benign by multiple in silico algorithms, and/or has population frequency not consistent with disease.

Breakthrough Genomics
Classification: Benign. Review status: criteria provided, single submitter. Criteria: ACMG Guidelines, 2015. Collection method: not provided. Allele origin: germline. Inheritance: Autosomal recessive inheritance. Affected: yes.

NM_005045.4(RELN):c.3540-193C>T

Gene: RELN (reelin; minus strand). Cytogenetic location: 7q22.1.
Variant type: single nucleotide variant.
Coding change: c.3540-193C>T on transcript NM_005045.4 (MANE Select); 193 bases into the intron before coding-DNA position 3540, C replaced by T.
Molecular consequence: intron variant.
Genome position (GRCh38, 1-based): chr7:103,594,685, G>A on the plus strand (C>T on the coding strand, the complement: RELN is on the minus strand). VCF-style: chr7-103594685-G-A. GRCh37 (hg19) VCF-style: chr7-103235132-G-A.
Other names: c.3540-193C>T (NM_173054.3).
Identifiers: ClinVar variation 669116 (VCV000669116.2), dbSNP rs362664, ClinGen allele CA12517225.
Genomic context (GRCh38, chr7:103,594,685, plus strand): 5'-GTAAGTTTGGACATATCAGACTTGAGGTTTAACCTTGTAGGCAGGTTTAGTCCTGGTCAT[G>A]TTTATTTCATTTGGAATTGTATCTTTTGGAGAAGAGGGAGAATATTTCAACTGAGTTTGA-3'